The following is an entry in ClinVar:

NM_006922.4(SCN3A):c.5627A>G (p.Asp1876Gly)

Gene: SCN3A (sodium voltage-gated channel alpha subunit 3; minus strand). Cytogenetic location: 2q24.3.
Variant type: single nucleotide variant.
Coding change: c.5627A>G on transcript NM_006922.4 (MANE Select); coding-DNA position 5627, A replaced by G.
Protein change: p.Asp1876Gly; replaces aspartic acid 1876 with glycine.
Molecular consequence: missense variant.
Genome position (GRCh38, 1-based): chr2:165,090,526, T>C on the plus strand (A>G on the coding strand, the complement: SCN3A is on the minus strand). VCF-style: chr2-165090526-T-C. GRCh37 (hg19) VCF-style: chr2-165947036-T-C.
Other names: c.5480A>G, p.Asp1827Gly (NM_001081676.2, NM_001081677.2); short protein forms D1827G, D1876G.
Identifiers: ClinVar variation 639015 (VCV000639015.8), dbSNP rs1574087624, ClinGen allele CA349010782.

ClinVar aggregate classification (germline): Uncertain significance (1 of 4 stars; one submission).

Allele frequency attached by ClinVar (database versions not stated): gnomAD exomes below 0.00001.
gnomAD v4.1: 2 of 1,614,022 alleles (0.00012%); highest among the groups gnomAD compares: Non-Finnish European, 0.00017%; no homozygotes.

Submission:

Labcorp Genetics (formerly Invitae), Labcorp
Classification: Uncertain significance. Last evaluated: 2018-12-19. Review status: criteria provided, single submitter. Criteria: Invitae Variant Classification Sherloc (09022015). Collection method: clinical testing. Allele origin: germline.
Comment: Algorithms developed to predict the effect of missense changes on protein structure and function are either unavailable or do not agree on the potential impact of this missense change (SIFT: "Deleterious"; PolyPhen-2: "Benign"; Align-GVGD: "Class C0"). In summary, the available evidence is currently insufficient to determine the role of this variant in disease. Therefore, it has been classified as a Variant of Uncertain Significance. This variant has not been reported in the literature in individuals with SCN3A-related disease. This variant is not present in population databases (ExAC no frequency). This sequence change replaces aspartic acid with glycine at codon 1876 of the SCN3A protein (p.Asp1876Gly). The aspartic acid residue is moderately conserved and there is a moderate physicochemical difference between aspartic acid and glycine.